The following is an entry in ClinVar:

NM_000540.3(RYR1):c.9659C>T (p.Thr3220Ile)

Gene: RYR1 (ryanodine receptor 1; plus strand). Cytogenetic location: 19q13.2.
Variant type: single nucleotide variant.
Coding change: c.9659C>T on transcript NM_000540.3 (MANE Select); coding-DNA position 9659, C replaced by T.
Protein change: p.Thr3220Ile; replaces threonine 3220 with isoleucine.
Molecular consequence: missense variant.
Genome position (GRCh38, 1-based): chr19:38,516,191, C>T. VCF-style: chr19-38516191-C-T. GRCh37 (hg19) VCF-style: chr19-39006831-C-T.
Other names: c.9659C>T, p.Thr3220Ile (NM_001042723.2); short protein forms T3220I.
Identifiers: ClinVar variation 3073313 (VCV003073313.1), dbSNP rs2514426397, ClinGen allele CA405690756.

ClinVar aggregate classification (germline): Uncertain significance (1 of 4 stars; one submission).

Conditions:
Malignant hyperthermia, susceptibility to, 1 (MHS1). Also called: Anesthesia related hyperthermia; Malignant hyperpyrexia; Fulminating hyperpyrexia; Pharmacogenic myopathy; RYR1-Related Malignant Hyperthermia Susceptibility; Malignant hyperthermia suceptibility 1. Identifiers: Orphanet 423, MedGen C2930980, MONDO:0007783, OMIM 145600.

gnomAD v4.1: 1 of 1,577,982 alleles (0.000063%); highest among the groups gnomAD compares: Non-Finnish European, 0.000086%; no homozygotes.

Submission:

All of Us Research Program, National Institutes of Health
Classification: Uncertain significance for Malignant hyperthermia, susceptibility to, 1. Last evaluated: 2023-09-04. Review status: criteria provided, single submitter. Criteria: ACMG Guidelines, 2015. Collection method: clinical testing. Allele origin: germline. Inheritance: Autosomal dominant inheritance. Observed: 1 variant allele, 1 heterozygote.
Comment: This missense variant replaces threonine with isoleucine at codon 3220 of the RYR1 protein. Computational prediction is inconclusive regarding the impact of this variant on protein structure and function (internally defined REVEL score threshold 0.5 < inconclusive < 0.7, PMID: 27666373). To our knowledge, functional studies have not been reported for this variant. This variant has not been reported in individuals affected with RYR1-related disorders in the literature. This variant has not been identified in the general population by the Genome Aggregation Database (gnomAD). The available evidence is insufficient to determine the role of this variant in disease conclusively. Therefore, this variant is classified as a Variant of Uncertain Significance.

This study involves interpretation of variants in research participants for the purpose of population health screening. Participant phenotype was not available at the time of variant classification. Additional details can be found in publication PMID: 35346344, PMCID: PMC8962531